The following is an entry in ClinVar:

ClinVar aggregate classification (germline): Pathogenic (1 of 4 stars; one submission).

Submission:

Labcorp Genetics (formerly Invitae), Labcorp
Classification: Pathogenic. Last evaluated: 2024-06-06. Review status: criteria provided, single submitter. Criteria: Invitae Variant Classification Sherloc (09022015). Collection method: clinical testing. Allele origin: germline.
Comment: This sequence change creates a premature translational stop signal (p.Gln456*) in the LEMD3 gene. It is expected to result in an absent or disrupted protein product. Loss-of-function variants in LEMD3 are known to be pathogenic (PMID: 15489854, 19438932). This variant is not present in population databases (gnomAD no frequency). This variant has not been reported in the literature in individuals affected with LEMD3-related conditions. For these reasons, this variant has been classified as Pathogenic.

Literature cited by the submitters: PubMed 15489854; PubMed 19438932.

NM_014319.5(LEMD3):c.1366C>T (p.Gln456Ter)

Gene: LEMD3 (LEM domain containing 3; plus strand). Cytogenetic location: 12q14.3.
Variant type: single nucleotide variant.
Coding change: c.1366C>T on transcript NM_014319.5 (MANE Select); coding-DNA position 1366, C replaced by T.
Protein change: p.Gln456Ter; replaces glutamine 456 with a stop codon.
Molecular consequence: nonsense.
Genome position (GRCh38, 1-based): chr12:65,170,962, C>T. VCF-style: chr12-65170962-C-T. GRCh37 (hg19) VCF-style: chr12-65564742-C-T.
Other names: c.1366C>T, p.Gln456Ter (NM_001167614.2); short protein forms Q456*.
Identifiers: ClinVar variation 3647738 (VCV003647738.2).